The following is an entry in ClinVar:

NM_015570.4(AUTS2):c.655T>C (p.Tyr219His)

Gene: AUTS2 (activator of transcription and developmental regulator AUTS2; plus strand). Cytogenetic location: 7q11.22.
Variant type: single nucleotide variant.
Coding change: c.655T>C on transcript NM_015570.4 (MANE Select); coding-DNA position 655, T replaced by C.
Protein change: p.Tyr219His; replaces tyrosine 219 with histidine.
Molecular consequence: missense variant.
Genome position (GRCh38, 1-based): chr7:70,134,566, T>C. VCF-style: chr7-70134566-T-C. GRCh37 (hg19) VCF-style: chr7-69599552-T-C.
Other names: c.655T>C, p.Tyr219His (NM_001127231.3, NM_001127232.3); short protein forms Y219H.
Identifiers: ClinVar variation 4527719 (VCV004527719.1).

ClinVar aggregate classification (germline): Uncertain significance (1 of 4 stars; one submission).

Submission:

GeneDx
Classification: Uncertain significance. Last evaluated: 2025-04-28. Review status: criteria provided, single submitter. Criteria: GeneDx Variant Classification Process June 2021. Collection method: clinical testing. Allele origin: germline. Affected: yes.
Comment: Not observed at significant frequency in large population cohorts (gnomAD); In silico analysis supports that this missense variant has a deleterious effect on protein structure/function; Has not been previously published as pathogenic or benign to our knowledge